The following is an entry in ClinVar:

ClinVar aggregate classification (germline): Conflicting classifications of pathogenicity. Review status: criteria provided, conflicting classifications (1 of 4 stars). 11 submissions from 11 submitters: Uncertain significance (6); Likely benign (3). 2 of the submissions do not count toward it. Last evaluated 2026-05-28.

Conditions:
Familial melanoma. Also called: Hereditary melanoma; Hereditary cutaneous melanoma. Identifiers: Orphanet 618, MedGen C1512419, MONDO:0018961.
Hereditary cancer-predisposing syndrome. Also called: Neoplastic Syndromes, Hereditary; Hereditary Cancer Syndrome; Tumor predisposition; Hereditary neoplastic syndrome. Identifiers: Orphanet 140162, MedGen C0027672, MeSH D009386, MONDO:0015356.
Melanoma-pancreatic cancer syndrome. Identifiers: Orphanet 404560, MedGen C1838547, MONDO:0011713, OMIM 606719. Disease mechanism: loss of function.
Melanoma and neural system tumor syndrome. Also called: MELANOMA-ASTROCYTOMA SYNDROME. Identifiers: Orphanet 252206, MedGen C1835042, MONDO:0007967, OMIM 155755.

Allele frequency attached by ClinVar (database versions not stated): 1000 Genomes Project 30x 0.00062; 1000 Genomes Project 0.00080.
gnomAD v4.1: 73 of 1,610,132 alleles (0.0045%); highest among the groups gnomAD compares: South Asian, 0.058%; no homozygotes.

Submissions (11):

Women's Health and Genetics/Laboratory Corporation of America, LabCorp
Classification: Uncertain significance. Last evaluated: 2026-05-28. Review status: criteria provided, single submitter. Criteria: LabCorp Variant Classification Summary - May 2015. Collection method: clinical testing. Allele origin: germline.
Comment: Variant summary: CDKN2A c.370C>T (p.Arg124Cys) results in a non-conservative amino acid change in the encoded protein sequence. Algorithms developed to predict the effect of missense changes on protein structure and function are either unavailable or do not agree on the potential impact of this missense change. The variant allele was found at a frequency of 0.00012 in 243546 control chromosomes. This frequency is not significantly higher than estimated for disease-causing variants in CDKN2A, allowing no conclusion about variant significance. c.370C>T has been observed in individual(s) affected with cutaneous malignant melanoma without strong evidence for causality (e.g. Begg_2005, Miller_2011, Harland_2014, Helgadottir_2020 and Spagnolo_2021). These report(s) do not provide unequivocal conclusions about association of the variant with disease. At least one publication reports experimental evidence evaluating an impact on protein function. These results showed no damaging effect of this variant (Kimura_2022). The following publications have been ascertained in the context of this evaluation (PMID: 16234564, 21462282, 25780468, 30291219, 35001868, 34069952). ClinVar contains an entry for this variant (Variation ID: 231362). Based on the evidence outlined above, the variant was classified as VUS-possibly benign.

Labcorp Genetics (formerly Invitae), Labcorp
Classification: Uncertain significance for Familial melanoma. Last evaluated: 2025-11-05. Review status: criteria provided, single submitter. Criteria: Invitae Variant Classification Sherloc (09022015). Collection method: clinical testing. Allele origin: germline.
Comment: This sequence change replaces arginine, which is basic and polar, with cysteine, which is neutral and slightly polar, at codon 124 of the CDKN2A (p16INK4a) protein (p.Arg124Cys). This variant is present in population databases (rs34170727, gnomAD 0.07%), and has an allele count higher than expected for a pathogenic variant. This missense change has been observed in individual(s) with melanoma (PMID: 16234564, 17218939, 21462282, 25780468, 26225579, 34069952). ClinVar contains an entry for this variant (Variation ID: 231362). An algorithm developed to predict the effect of missense changes on protein structure and function outputs the following: PolyPhen-2: "Benign". The cysteine amino acid residue is found in multiple mammalian species, which suggests that this missense change does not adversely affect protein function. Experimental studies have shown that this missense change does not substantially affect CDKN2A (p16INK4a) function (PMID: 35001868). In summary, the available evidence is currently insufficient to determine the role of this variant in disease. Therefore, it has been classified as a Variant of Uncertain Significance.

Center for Genomic Medicine, Rigshospitalet, Copenhagen University Hospital
Classification: Uncertain significance. Last evaluated: 2025-03-04. Review status: criteria provided, single submitter. Criteria: ACMG Guidelines, 2015. Collection method: clinical testing. Allele origin: germline.

Color Diagnostics, LLC DBA Color Health
Classification: Likely benign for Hereditary cancer-predisposing syndrome. Last evaluated: 2024-09-19. Review status: criteria provided, single submitter. Criteria: ACMG Guidelines, 2015. Collection method: clinical testing. Allele origin: germline.

GeneDx
Classification: Uncertain significance. Last evaluated: 2024-07-12. Review status: criteria provided, single submitter. Criteria: GeneDx Variant Classification Process June 2021. Collection method: clinical testing. Allele origin: germline. Affected: yes.
Comment: Observed in individuals with personal and/or family history of melanoma (PMID: 16234564, 18335566, 21462282, 25780468, 26225579, 30291219, 37611275); Published functional studies demonstrate cell proliferation similar to wildtype (PMID: 35001868); In silico analysis supports that this missense variant does not alter protein structure/function; This variant is associated with the following publications: (PMID: 17218939, 18335566, 16234564, 25780468, 26225579, 21462282, 28873162, 29641532, 30291219, 34069952, 36937957, 37611275, 35001868)

Baylor Genetics
Classification: Uncertain significance for Melanoma and neural system tumor syndrome. Last evaluated: 2024-03-24. Review status: criteria provided, single submitter. Criteria: ACMG Guidelines, 2015. Collection method: clinical testing. Allele origin: unknown.

Blueprint Genetics
Classification: Likely benign. Last evaluated: 2023-12-15. Review status: criteria provided, single submitter. Criteria: ACMG Guidelines, 2015. Collection method: clinical testing. Allele origin: germline.

Myriad Genetics, Inc.
Classification: Uncertain significance for Melanoma-pancreatic cancer syndrome. Last evaluated: 2023-04-20. Review status: criteria provided, single submitter. Criteria: Myriad Autosomal Dominant, Autosomal Recessive and X-Linked Classification Criteria (2023). Collection method: clinical testing. Allele origin: unknown.
Comment: This variant is classified as a variant of uncertain significance as there is insufficient evidence to determine its impact on protein function and/or cancer risk.

Ambry Genetics
Classification: Likely benign for Hereditary cancer-predisposing syndrome. Last evaluated: 2021-03-05. Review status: criteria provided, single submitter. Criteria: Ambry Variant Classification Scheme 2023. Collection method: clinical testing. Allele origin: germline.

Counsyl
Classification: Uncertain significance for Melanoma-pancreatic cancer syndrome. Last evaluated: 2018-05-25. Review status: no assertion criteria provided. Collection method: clinical testing. Allele origin: unknown. Not counted in ClinVar's aggregate classification.

Department of Pathology and Laboratory Medicine, Sinai Health System
Classification: Uncertain significance. Review status: no assertion criteria provided. Collection method: clinical testing. Allele origin: unknown. Affected: yes. Study: The Canadian Open Genetics Repository (COGR). Not counted in ClinVar's aggregate classification.
Comment: The CDKN2A p.R124C variant was identified in multiple individuals with melanoma (Harland_2014_PMID: 25780468; Burgstaller-Muehlbacher_2015_PMID: 26225579; Orlow_2007_PMID: 17218939; Begg_2005_PMID: 16234564). The variant was identified in dbSNP (ID: rs34170727), COSMIC (tissue distribution: skin), and ClinVar (classified as uncertain significance by Counsyl, GeneDx, Ambry Genetics, and Invitae; and as likely benign by Color). The variant was identified in control databases in 30 of 243546 chromosomes at a frequency of 0.0001232, and was observed at the highest frequency in the South Asian population in 22 of 30554 chromosomes (freq: 0.0007200) (Genome Aggregation Database March 6, 2019, v2.1.1). The p.R124 residue is not conserved in mammals and computational analyses (MUT Assesor, PolyPhen-2, SIFT, MutationTaster, Revel, FATHMM, MetaLR, DANN) provide inconsistent predictions regarding the impact to the protein; this information is not very predictive of pathogenicity. The variant occurs outside of the splicing consensus sequence and in silico or computational prediction software programs (Splice AI exome) do not predict a deleterious effect on splicing. In summary, based on the above information the clinical significance of this variant cannot be determined with certainty at this time. This variant is classified as a variant of uncertain significance.

Literature cited by the submitters: PubMed 21462282 (cited by 3 submitters); PubMed 25780468 (cited by 4 submitters); PubMed 16234564 (cited by 3 submitters); PubMed 27756164 (cited by Women's Health and Genetics/Laboratory Corporation of America, LabCorp); PubMed 27960642 (cited by Women's Health and Genetics/Laboratory Corporation of America, LabCorp); PubMed 28765326 (cited by Women's Health and Genetics/Laboratory Corporation of America, LabCorp); PubMed 9166859 (cited by Women's Health and Genetics/Laboratory Corporation of America, LabCorp); PubMed 16818274 (cited by Women's Health and Genetics/Laboratory Corporation of America, LabCorp); PubMed 18519632 (cited by Women's Health and Genetics/Laboratory Corporation of America, LabCorp); PubMed 7718873 (cited by Women's Health and Genetics/Laboratory Corporation of America, LabCorp); PubMed 30291219 (cited by Women's Health and Genetics/Laboratory Corporation of America, LabCorp); PubMed 35001868 (cited by Women's Health and Genetics/Laboratory Corporation of America, LabCorp and Labcorp Genetics (formerly Invitae), Labcorp); PubMed 34069952 (cited by Women's Health and Genetics/Laboratory Corporation of America, LabCorp and Labcorp Genetics (formerly Invitae), Labcorp); PubMed 17218939 (cited by 3 submitters); PubMed 26225579 (cited by 3 submitters); PubMed 18335566 (cited by Ambry Genetics and Counsyl); PubMed 29641532 (cited by Ambry Genetics); PubMed 28873162 (cited by Counsyl).

NM_000077.5(CDKN2A):c.370C>T (p.Arg124Cys)

Gene: CDKN2A (cyclin dependent kinase inhibitor 2A; minus strand). Cytogenetic location: 9p21.3.
Variant type: single nucleotide variant.
Coding change: c.370C>T on transcript NM_000077.5; coding-DNA position 370, C replaced by T.
Protein change: p.Arg124Cys; replaces arginine 124 with cysteine.
Molecular consequence: missense variant (on NM_000077.6). On other transcripts: 3 prime UTR variant (2).
Genome position (GRCh38, 1-based): chr9:21,970,989, G>A on the plus strand (C>T on the coding strand, the complement: CDKN2A is on the minus strand). VCF-style: chr9-21970989-G-A. GRCh37 (hg19) VCF-style: chr9-21970988-G-A.
Other names: c.370C>T, p.Arg124Cys (NM_000077.6, NM_001195132.2); c.217C>T, p.Arg73Cys (NM_001363763.2); c.*14C>T (NM_058195.4); c.*293C>T (NM_058197.5); short protein forms R124C, R73C.
Identifiers: ClinVar variation 231362 (VCV000231362.34), dbSNP rs34170727, ClinGen allele CA5012170.